The following is an entry in ClinVar:

ClinVar aggregate classification (germline): Pathogenic (0 of 4 stars; one submission).

Conditions:
Joubert syndrome. Also called: CEREBELLOPARENCHYMAL DISORDER IV; JOUBERT-BOLTSHAUSER SYNDROME; Familial aplasia of the vermis. Identifiers: Orphanet 475, MedGen C5979921, MONDO:0018772.

Allele frequency attached by ClinVar (database versions not stated): gnomAD 0.00002; gnomAD exomes 0.00002 and 0.00004; TOPMed 0.00002; ExAC 0.00005.

Submission:

Department of Medical Genetics, Oslo University Hospital
Classification: Pathogenic for Joubert syndrome. Last evaluated: 2020-01-01. Review status: no assertion criteria provided. Collection method: research. Allele origin: germline. Affected: yes and no.
Comment: Hold until published

Literature cited by the submitters: PubMed 33131181.

NM_015373.4(CBY1):c.189_190del (p.Gly64_Val65insTer)

Gene: CBY1 (chibby 1, beta catenin antagonist; plus strand). Cytogenetic location: 22q13.1.
Variant type: Deletion.
Coding change: c.189_190del on transcript NM_015373.4 (MANE Select); coding-DNA positions 189 to 190, 2 bases deleted (AG; older notation c.189_190delAG).
Protein change: p.Gly64_Val65insTer.
Molecular consequence: frameshift variant.
Genome position (GRCh38, 1-based): chr22:38,671,074-38,671,075, AG deleted. VCF-style (leftmost placement, unchanged base first): chr22-38671073-CAG-C. GRCh37 (hg19) VCF-style: chr22-39067078-CAG-C.
Other names: c.189_190del, p.Gly64_Val65insTer (NM_001002880.4).
Identifiers: ClinVar variation 694056 (VCV000694056.1), dbSNP rs747514855, ClinGen allele CA10234314.